The following is an entry in ClinVar:

NM_002693.3(POLG):c.1753T>C (p.Trp585Arg)

Gene: POLG (DNA polymerase gamma, catalytic subunit; minus strand). Cytogenetic location: 15q26.1.
Variant type: single nucleotide variant.
Coding change: c.1753T>C on transcript NM_002693.3 (MANE Select); coding-DNA position 1753, T replaced by C.
Protein change: p.Trp585Arg; replaces tryptophan 585 with arginine.
Molecular consequence: missense variant.
Genome position (GRCh38, 1-based): chr15:89,325,646, A>G on the plus strand (T>C on the coding strand, the complement: POLG is on the minus strand). VCF-style: chr15-89325646-A-G. GRCh37 (hg19) VCF-style: chr15-89868877-A-G.
Other names: c.1753T>C, p.Trp585Arg (NM_001126131.2); short protein forms W585R.
Identifiers: ClinVar variation 4765505 (VCV004765505.1).

ClinVar aggregate classification (germline): Uncertain significance (1 of 4 stars; one submission).

Conditions:
Progressive sclerosing poliodystrophy (MTDPS4A). Also called: Mitochondrial DNA depletion syndrome 4A (Alpers type); ALPERS DIFFUSE DEGENERATION OF CEREBRAL GRAY MATTER WITH HEPATIC CIRRHOSIS; Alpers-Huttenlocher Syndrome; Mitochondrial DNA Depletion Syndrome 4A; Alpers-Huttenlocher Syndrome (AHS); ALPERS PROGRESSIVE INFANTILE POLIODYSTROPHY. Identifiers: Orphanet 726, MedGen C0205710, MONDO:0008758, OMIM 203700.

Submission:

Labcorp Genetics (formerly Invitae), Labcorp
Classification: Uncertain significance for Progressive sclerosing poliodystrophy. Last evaluated: 2025-05-19. Review status: criteria provided, single submitter. Criteria: Invitae Variant Classification Sherloc (09022015). Collection method: clinical testing. Allele origin: germline.
Comment: This sequence change replaces tryptophan, which is neutral and slightly polar, with arginine, which is basic and polar, at codon 585 of the POLG protein (p.Trp585Arg). This variant is not present in population databases (gnomAD no frequency). This variant has not been reported in the literature in individuals affected with POLG-related conditions. Invitae Evidence Modeling of protein sequence and biophysical properties (such as structural, functional, and spatial information, amino acid conservation, physicochemical variation, residue mobility, and thermodynamic stability) indicates that this missense variant is expected to disrupt POLG protein function with a positive predictive value of 95%. In summary, the available evidence is currently insufficient to determine the role of this variant in disease. Therefore, it has been classified as a Variant of Uncertain Significance.